The following is an entry in ClinVar:

NM_014795.4(ZEB2):c.839G>T (p.Arg280Leu)

Gene: ZEB2 (zinc finger E-box binding homeobox 2; minus strand). Cytogenetic location: 2q22.3.
Variant type: single nucleotide variant.
Coding change: c.839G>T on transcript NM_014795.4 (MANE Select); coding-DNA position 839, G replaced by T.
Protein change: p.Arg280Leu; replaces arginine 280 with leucine.
Molecular consequence: missense variant.
Genome position (GRCh38, 1-based): chr2:144,401,276, C>A on the plus strand (G>T on the coding strand, the complement: ZEB2 is on the minus strand). VCF-style: chr2-144401276-C-A. GRCh37 (hg19) VCF-style: chr2-145158843-C-A.
Other names: c.767G>T, p.Arg256Leu (NM_001171653.2); short protein forms R256L, R280L.
Identifiers: ClinVar variation 1406352 (VCV001406352.9), dbSNP rs2149877979, ClinGen allele CA348713627.

ClinVar aggregate classification (germline): Uncertain significance (1 of 4 stars; one submission).

Conditions:
Mowat-Wilson syndrome (MOWS). Also called: Classic Mowat-Wilson Syndrome. Identifiers: Orphanet 2152, MedGen C1856113, MONDO:0009341, OMIM 235730.

Submission:

Labcorp Genetics (formerly Invitae), Labcorp
Classification: Uncertain significance for Mowat-Wilson syndrome. Last evaluated: 2022-07-21. Review status: criteria provided, single submitter. Criteria: Invitae Variant Classification Sherloc (09022015). Collection method: clinical testing. Allele origin: germline.
Comment: This variant has not been reported in the literature in individuals affected with ZEB2-related conditions. ClinVar contains an entry for this variant (Variation ID: 1406352). Algorithms developed to predict the effect of missense changes on protein structure and function (SIFT, PolyPhen-2, Align-GVGD) all suggest that this variant is likely to be disruptive. In summary, the available evidence is currently insufficient to determine the role of this variant in disease. Therefore, it has been classified as a Variant of Uncertain Significance. This sequence change replaces arginine, which is basic and polar, with leucine, which is neutral and non-polar, at codon 280 of the ZEB2 protein (p.Arg280Leu). This variant is not present in population databases (gnomAD no frequency).